The following is an entry in ClinVar:

NM_001903.5(CTNNA1):c.679G>A (p.Ala227Thr)

Gene: CTNNA1 (catenin alpha 1; plus strand). Cytogenetic location: 5q31.2.
Variant type: single nucleotide variant.
Coding change: c.679G>A on transcript NM_001903.5 (MANE Select); coding-DNA position 679, G replaced by A.
Protein change: p.Ala227Thr; replaces alanine 227 with threonine.
Molecular consequence: missense variant.
Genome position (GRCh38, 1-based): chr5:138,824,620, G>A. VCF-style: chr5-138824620-G-A. GRCh37 (hg19) VCF-style: chr5-138160309-G-A.
Other names: c.679G>A (NM_001903.2); c.679G>A, p.Ala227Thr (NM_001290307.3, NM_001323982.2, NM_001323983.1 and 3 more transcripts); c.370G>A, p.Ala124Thr (NM_001290309.3); c.310G>A, p.Ala104Thr (NM_001290310.3); short protein forms A104T, A124T, A227T.
Identifiers: ClinVar variation 1059575 (VCV001059575.12), dbSNP rs2149775868, ClinGen allele CA361129692.

ClinVar aggregate classification (germline): Uncertain significance. Review status: criteria provided, multiple submitters, no conflicts (2 of 4 stars). 3 submissions from 3 submitters: Uncertain significance (3). Last evaluated 2025-07-31.

Conditions:
Hereditary cancer-predisposing syndrome. Also called: Hereditary Cancer Syndrome; Tumor predisposition; Hereditary neoplastic syndrome; Neoplastic Syndromes, Hereditary. Identifiers: Orphanet 140162, MedGen C0027672, MeSH D009386, MONDO:0015356.

gnomAD v4.1: 7 of 1,614,202 alleles (0.00043%); highest among the groups gnomAD compares: Non-Finnish European, 0.00059%; no homozygotes.

Submissions (3):

Ambry Genetics
Classification: Uncertain significance for Hereditary cancer-predisposing syndrome. Last evaluated: 2025-07-31. Review status: criteria provided, single submitter. Criteria: Ambry Variant Classification Scheme 2023. Collection method: clinical testing. Allele origin: germline.
Comment: The p.A227T variant (also known as c.679G>A), located in coding exon 5 of the CTNNA1 gene, results from a G to A substitution at nucleotide position 679. The alanine at codon 227 is replaced by threonine, an amino acid with similar properties. This amino acid position is conserved. In addition, the in silico prediction for this alteration is inconclusive. Based on the available evidence, the clinical significance of this variant remains unclear.

Labcorp Genetics (formerly Invitae), Labcorp
Classification: Uncertain significance. Last evaluated: 2025-04-22. Review status: criteria provided, single submitter. Criteria: Invitae Variant Classification Sherloc (09022015). Collection method: clinical testing. Allele origin: germline.
Comment: This sequence change replaces alanine, which is neutral and non-polar, with threonine, which is neutral and polar, at codon 227 of the CTNNA1 protein (p.Ala227Thr). This variant is not present in population databases (gnomAD no frequency). This variant has not been reported in the literature in individuals affected with CTNNA1-related conditions. ClinVar contains an entry for this variant (Variation ID: 1059575). Invitae Evidence Modeling of protein sequence and biophysical properties (such as structural, functional, and spatial information, amino acid conservation, physicochemical variation, residue mobility, and thermodynamic stability) indicates that this missense variant is not expected to disrupt CTNNA1 protein function with a negative predictive value of 80%. In summary, the available evidence is currently insufficient to determine the role of this variant in disease. Therefore, it has been classified as a Variant of Uncertain Significance.

Blueprint Genetics
Classification: Uncertain significance. Last evaluated: 2019-10-07. Review status: criteria provided, single submitter. Criteria: ACMG Guidelines, 2015. Collection method: clinical testing. Allele origin: germline.